The following is an entry in ClinVar:

ClinVar aggregate classification (germline): Benign/Likely benign. Review status: criteria provided, multiple submitters, no conflicts (2 of 4 stars). 3 submissions from 3 submitters: Benign (1); Likely benign (1). 1 of the submissions does not count toward it. Last evaluated 2025-10-27.

Conditions:
KMT2D-related disorder. Also called: KMT2D-Related Disorders.
Kabuki syndrome. Also called: Kabuki make-up syndrome; NIIKAWA-KUROKI SYNDROME. Identifiers: Orphanet 2322, MedGen C0796004, MONDO:0016512.

Allele frequency attached by ClinVar (database versions not stated): ExAC 0.00003; gnomAD 0.00003 and 0.00004; gnomAD exomes 0.00004 and 0.00011; TOPMed 0.00006.
gnomAD v4.1: 162 of 1,613,090 alleles (0.01%); highest among the groups gnomAD compares: Non-Finnish European, 0.013%; no homozygotes.

Submissions (3):

Labcorp Genetics (formerly Invitae), Labcorp
Classification: Benign for Kabuki syndrome. Last evaluated: 2025-10-27. Review status: criteria provided, single submitter. Criteria: Invitae Variant Classification Sherloc (09022015). Collection method: clinical testing. Allele origin: germline.

Blueprint Genetics
Classification: Likely benign. Last evaluated: 2022-06-01. Review status: criteria provided, single submitter. Criteria: ACMG Guidelines, 2015. Collection method: clinical testing. Allele origin: germline.

PreventionGenetics, part of Exact Sciences
Classification: Likely benign for KMT2D-related condition. Last evaluated: 2024-04-24. Review status: no assertion criteria provided. Collection method: clinical testing. Allele origin: germline. Not counted in ClinVar's aggregate classification.
Comment: This variant is classified as likely benign based on ACMG/AMP sequence variant interpretation guidelines (Richards et al. 2015 PMID: 25741868, with internal and published modifications).

NM_003482.4(KMT2D):c.335G>C (p.Ser112Thr)

Gene: KMT2D (lysine methyltransferase 2D; minus strand). Cytogenetic location: 12q13.12.
Variant type: single nucleotide variant.
Coding change: c.335G>C on transcript NM_003482.4 (MANE Select); coding-DNA position 335, G replaced by C.
Protein change: p.Ser112Thr; replaces serine 112 with threonine.
Molecular consequence: missense variant.
Genome position (GRCh38, 1-based): chr12:49,054,593, C>G on the plus strand (G>C on the coding strand, the complement: KMT2D is on the minus strand). VCF-style: chr12-49054593-C-G. GRCh37 (hg19) VCF-style: chr12-49448376-C-G.
Other names: c.335G>C (NM_003482.3); short protein forms S112T.
Identifiers: ClinVar variation 1357637 (VCV001357637.10), dbSNP rs748306957, ClinGen allele CA6548743.
Genomic context (GRCh38, chr12:49,054,593, plus strand): 5'-GGTTCTCCTAGGTGGGCAGGTGTAAGGCCCTCAGGGAAACCAATCTGTGATAGGTCCTCA[C>G]TGGGCAGCACTGCCTCATTGGGCCCTGGGCTCCCCCCAGGGGACACCACTGGACACCGGG-3'
Protein context (NP_003473.3, residues 102-122): SPGPNEAVLP[Ser112Thr]EDLSQIGFPE